The following is an entry in ClinVar:

NM_177438.3(DICER1):c.3665del (p.Leu1222fs)

Gene: DICER1 (dicer 1, ribonuclease III; minus strand). Cytogenetic location: 14q32.13.
Variant type: Deletion.
Coding change: c.3665del on transcript NM_177438.3 (MANE Select); coding-DNA position 3665, one base deleted (T; older notation c.3665delT).
Protein change: p.Leu1222fs; shifts the reading frame from leucine 1222.
Molecular consequence: frameshift variant.
Genome position (GRCh38, 1-based): chr14:95,103,731, A deleted on the plus strand (T on the coding strand, the reverse complement: DICER1 is on the minus strand); the first of 3 consecutive A bases (chr14:95,103,731-95,103,733); deleting any one gives the same sequence. VCF-style (leftmost placement, unchanged base first): chr14-95103730-TA-T. GRCh37 (hg19) VCF-style: chr14-95570067-TA-T.
Other names: c.3665del, p.Leu1222fs (NM_001195573.1, NM_001271282.3, NM_001291628.2 and 1 more transcripts); short protein forms L1222fs.
Identifiers: ClinVar variation 933022 (VCV000933022.3), dbSNP rs1595365532, ClinGen allele CA1139663713.

ClinVar aggregate classification (germline): Pathogenic (1 of 4 stars; one submission).

Conditions:
DICER1-related tumor predisposition. Also called: DICER1-related pleuropulmonary blastoma cancer predisposition syndrome; DICER1 syndrome. Identifiers: Orphanet 284343, MedGen C3839822, MONDO:0100216.

Submission:

Foulkes Cancer Genetics LDI, Lady Davis Institute for Medical Research
Classification: Pathogenic for Pleuropulmonary blastoma. Last evaluated: 2019-07-01. Review status: criteria provided, single submitter. Criteria: ACMG Guidelines, 2015. Collection method: curation. Allele origin: germline. Affected: yes. Observed: 1 variant allele.
Comment: ACMG criteria met: PVS1, PM2, PP4

Literature cited by the submitters: PubMed 21266384.